The following is an entry in ClinVar:

NM_000059.4(BRCA2):c.4003G>T (p.Glu1335Ter)

Gene: BRCA2 (BRCA2 DNA repair associated; plus strand). Cytogenetic location: 13q13.1.
Variant type: single nucleotide variant.
Coding change: c.4003G>T on transcript NM_000059.4 (MANE Select); coding-DNA position 4003, G replaced by T.
Protein change: p.Glu1335Ter; replaces glutamic acid 1335 with a stop codon.
Molecular consequence: nonsense.
Genome position (GRCh38, 1-based): chr13:32,338,358, G>T. VCF-style: chr13-32338358-G-T. GRCh37 (hg19) VCF-style: chr13-32912495-G-T.
Other names: NP_000050.3:p.Glu1335Ter; short protein forms E1335*.
Identifiers: ClinVar variation 233112 (VCV000233112.46), dbSNP rs747070579, ClinGen allele CA6940739.

ClinVar aggregate classification (germline): Pathogenic. Review status: reviewed by expert panel (3 of 4 stars). 11 submissions from 11 submitters: Pathogenic (1). 10 of the submissions do not count toward it. Last evaluated 2016-09-08.

Conditions:
BRCA2-related disorder. Also called: BRCA2-related condition; BRCA2-related disorders. Identifiers: MedGen CN239275.
Breast and/or ovarian cancer. Identifiers: MedGen CN221562.
Hereditary cancer-predisposing syndrome. Also called: Hereditary Cancer Syndrome; Neoplastic Syndromes, Hereditary; Tumor predisposition; Hereditary neoplastic syndrome. Identifiers: Orphanet 140162, MedGen C0027672, MeSH D009386, MONDO:0015356.
Breast-ovarian cancer, familial, susceptibility to, 2 (BROVCA2). Also called: BRCA2 Hereditary Breast and Ovarian Cancer. Identifiers: Orphanet 145, MedGen C2675520, MONDO:0012933, OMIM 612555. Disease mechanism: loss of function.
Hereditary breast ovarian cancer syndrome. Also called: Hereditary breast and/or ovarian cancer syndrome; BRCA1- and BRCA2-Associated Hereditary Breast and Ovarian Cancer; Hereditary breast and ovarian cancer syndrome (HBOC); Hereditary breast and ovarian cancer; Hereditary breast and ovarian cancer syndrome; Breast and ovarian cancer. Identifiers: Orphanet 145, MedGen C0677776, MeSH D061325, MONDO:0003582. Disease mechanism: loss of function.

Allele frequency attached by ClinVar (database versions not stated): gnomAD exomes below 0.00001; ExAC 0.00001.
gnomAD v4.1: 3 of 1,586,872 alleles (0.00019%); highest among the groups gnomAD compares: Non-Finnish European, 0.00017%; no homozygotes.

Submissions (11):

Evidence-based Network for the Interpretation of Germline Mutant Alleles (ENIGMA)
Classification: Pathogenic for Breast-ovarian cancer, familial, susceptibility to, 2. Last evaluated: 2016-09-08. Review status: reviewed by expert panel. Criteria: ENIGMA BRCA1/2 Classification Criteria (2015). Collection method: curation. Allele origin: germline.
Comment: Variant allele predicted to encode a truncated non-functional protein.

Color Diagnostics, LLC DBA Color Health
Classification: Pathogenic for Hereditary cancer-predisposing syndrome. Last evaluated: 2025-09-03. Review status: criteria provided, single submitter. Criteria: ACMG Guidelines, 2015. Collection method: clinical testing. Allele origin: germline. Not counted in ClinVar's aggregate classification.
Comment: This variant changes 1 nucleotide in exon 11 of the BRCA2 gene, creating a premature translation stop signal. This variant is expected to result in an absent or non-functional protein product. This variant has been reported in an individual affected with breast and/or ovarian cancer and in 4 suspected hereditary breast and ovarian cancer families (PMID: 29446198, 29470806). This variant also has been detected in a breast cancer case-control meta-analysis in 3/60466 cases and 0/53461 unaffected individuals (PMID: 33471991Leiden Open Variation Database DB-ID BRCA2_004577). A multifactorial analysis has reached a combined likelihood ratio (LR) of 0.538 based on reported LR for co-occurrence with a pathogenic variant and personal and family history for 1 carrier (PMID: 31853058). This variant has been identified in 1/230540 chromosomes in the general population by the Genome Aggregation Database (gnomAD). Loss of BRCA2 function is a known mechanism of disease. Based on the available evidence, this variant is classified as Pathogenic.

Labcorp Genetics (formerly Invitae), Labcorp
Classification: Pathogenic for Hereditary breast ovarian cancer syndrome. Last evaluated: 2025-08-25. Review status: criteria provided, single submitter. Criteria: Invitae Variant Classification Sherloc (09022015). Collection method: clinical testing. Allele origin: germline. Not counted in ClinVar's aggregate classification.
Comment: This sequence change creates a premature translational stop signal (p.Glu1335*) in the BRCA2 gene. It is expected to result in an absent or disrupted protein product. Loss-of-function variants in BRCA2 are known to be pathogenic (PMID: 20104584). This variant is present in population databases (rs747070579, gnomAD 0.004%). This premature translational stop signal has been observed in individual(s) with breast and/or ovarian cancer (PMID: 29446198, 29470806). ClinVar contains an entry for this variant (Variation ID: 233112). For these reasons, this variant has been classified as Pathogenic.

Ambry Genetics
Classification: Pathogenic for Hereditary cancer-predisposing syndrome. Last evaluated: 2025-07-01. Review status: criteria provided, single submitter. Criteria: Ambry Variant Classification Scheme 2023. Collection method: clinical testing. Allele origin: germline. Not counted in ClinVar's aggregate classification.
Comment: The p.E1335* pathogenic mutation (also known as c.4003G>T), located in coding exon 10 of the BRCA2 gene, results from a G to T substitution at nucleotide position 4003. This changes the amino acid from a glutamic acid to a stop codon within coding exon 10. This alteration is expected to result in loss of function by premature protein truncation or nonsense-mediated mRNA decay. As such, this alteration is interpreted as a disease-causing mutation.

Molecular Pathology, Peter Maccallum Cancer Centre
Classification: Pathogenic for Breast-ovarian cancer, familial, susceptibility to, 2. Last evaluated: 2024-08-05. Review status: criteria provided, single submitter. Criteria: ACMG Guidelines, 2015. Collection method: clinical testing. Allele origin: germline. Inheritance: Autosomal dominant inheritance. Not counted in ClinVar's aggregate classification.

National Health Laboratory Service, Universitas Academic Hospital and University of the Free State
Classification: Pathogenic for Hereditary breast ovarian cancer syndrome. Last evaluated: 2021-11-16. Review status: criteria provided, single submitter. Criteria: ACMG Guidelines, 2015. Collection method: clinical testing. Allele origin: germline. Affected: yes. Observed: 2 variant alleles. Not counted in ClinVar's aggregate classification.

CHEO Genetics Diagnostic Laboratory, Children's Hospital of Eastern Ontario
Classification: Likely pathogenic for Breast and/or ovarian cancer. Last evaluated: 2016-02-22. Review status: criteria provided, single submitter. Criteria: ACMG Guidelines, 2015. Collection method: clinical testing. Allele origin: germline. Study: Canadian Open Genetics Repository. Not counted in ClinVar's aggregate classification.

Consortium of Investigators of Modifiers of BRCA1/2 (CIMBA), c/o University of Cambridge
Classification: Pathogenic for Breast-ovarian cancer, familial, susceptibility to, 2. Last evaluated: 2015-10-02. Review status: criteria provided, single submitter. Criteria: CIMBA Mutation Classification guidelines May 2016. Collection method: clinical testing. Allele origin: germline. Not counted in ClinVar's aggregate classification.

Molecular Endocrinology Laboratory, Christian Medical College
Classification: Pathogenic for Breast-ovarian cancer, familial, susceptibility to, 2. Review status: criteria provided, single submitter. Criteria: ACMG Guidelines, 2015. Collection method: clinical testing. Allele origin: germline. Affected: yes. Not counted in ClinVar's aggregate classification.

PreventionGenetics, part of Exact Sciences
Classification: Pathogenic for BRCA2-related condition. Last evaluated: 2024-06-26. Review status: no assertion criteria provided. Collection method: clinical testing. Allele origin: germline. Not counted in ClinVar's aggregate classification.
Comment: The BRCA2 c.4003G>T variant is predicted to result in premature protein termination (p.Glu1335*). This variant has been reported in individuals with breast cancer (Singh et al. 2018. PubMed ID: 29470806; Rebbeck et al. 2018. PubMed ID: 29446198). This variant is reported in 0.0039% of alleles in individuals of South Asian descent in gnomAD. Nonsense variants in BRCA2 are expected to be pathogenic. It is interpreted as pathogenic in ClinVar. This variant is interpreted as pathogenic.

Research Molecular Genetics Laboratory, Women's College Hospital, University of Toronto
Classification: Pathogenic for Hereditary breast ovarian cancer syndrome. Last evaluated: 2014-01-31. Review status: no assertion criteria provided. Collection method: research. Allele origin: germline. Affected: yes. Study: The Canadian Open Genetics Repository (COGR). Not counted in ClinVar's aggregate classification.

Literature cited by the submitters: PubMed 29446198 (cited by Color Diagnostics, LLC DBA Color Health and Labcorp Genetics (formerly Invitae), Labcorp); PubMed 29470806 (cited by 3 submitters); PubMed 31853058 (cited by Color Diagnostics, LLC DBA Color Health); PubMed 33471991 (cited by Color Diagnostics, LLC DBA Color Health); PubMed 20104584 (cited by Labcorp Genetics (formerly Invitae), Labcorp); DOI 10.3389/fgene.2022.834265 (cited by National Health Laboratory Service, Universitas Academic Hospital and University of the Free State).